The following is an entry in ClinVar:

NM_000186.4(CFH):c.2596+1G>C

Gene: CFH (complement factor H; plus strand). Cytogenetic location: 1q31.3.
Variant type: single nucleotide variant.
Coding change: c.2596+1G>C on transcript NM_000186.4 (MANE Select); the canonical splice donor site of the intron after coding-DNA position 2596, G replaced by C.
Molecular consequence: splice donor variant.
Genome position (GRCh38, 1-based): chr1:196,737,007, G>C. VCF-style: chr1-196737007-G-C. GRCh37 (hg19) VCF-style: chr1-196706137-G-C.
Identifiers: ClinVar variation 4291491 (VCV004291491.1).

ClinVar aggregate classification (germline): Pathogenic (1 of 4 stars; one submission).

Conditions:
Atypical hemolytic-uremic syndrome. Identifiers: Orphanet 2134, MedGen C2931788, MONDO:0016244.

gnomAD v4.1: 18 of 1,606,810 alleles (0.0011%); highest among the groups gnomAD compares: Non-Finnish European, 0.0014%; no homozygotes.

Submission:

Genomenon, Inc
Classification: Pathogenic for Atypical hemolytic-uremic syndrome. Last evaluated: 2025-10-02. Review status: criteria provided, single submitter. Criteria: Genomenon Sequence Variant Interpretation Standards - Updated. Collection method: curation. Allele origin: germline. Affected: yes.
Comment: CFH c.2596+1G>C is a canonical splice variant located in the donor splice region of intron 16. It is predicted to affect mRNA splicing, leading to a deleterious effect on the CFH protein. This variant has been observed in at least one proband affected with atypical hemolytic-uremic syndrome (PMID:23307876;27268256). It is absent or not present at a significant frequency in gnomAD. In conclusion, we classify CFH c.2596+1G>C as a pathogenic variant.

Literature cited by the submitters: PubMed 23307876; PubMed 27268256.